The following is an entry in ClinVar:

ClinVar aggregate classification (germline): Uncertain significance (1 of 4 stars; one submission).

Conditions:
Muscle AMP deaminase deficiency (MMDD). Also called: Myoadenylate deaminase deficiency, myopathy due to; ADENOSINE MONOPHOSPHATE DEAMINASE-1 DEFICIENCY, MYOPATHY DUE TO; Adenosine monophosphate deaminase 1 deficiency; AMP deaminase 1 deficiency; Adenosine Monophosphate Deaminase 1; AMPD1 DEFICIENCY. Identifiers: Orphanet 45, MedGen C3714933, MONDO:0014220, OMIM 615511.

Submission:

Labcorp Genetics (formerly Invitae), Labcorp
Classification: Uncertain significance for Muscle AMP deaminase deficiency. Last evaluated: 2024-08-30. Review status: criteria provided, single submitter. Criteria: Invitae Variant Classification Sherloc (09022015). Collection method: clinical testing. Allele origin: germline.
Comment: This sequence change replaces isoleucine, which is neutral and non-polar, with threonine, which is neutral and polar, at codon 539 of the AMPD1 protein (p.Ile539Thr). This variant is not present in population databases (gnomAD no frequency). This variant has not been reported in the literature in individuals affected with AMPD1-related conditions. An algorithm developed to predict the effect of missense changes on protein structure and function (PolyPhen-2) suggests that this variant is likely to be disruptive. In summary, the available evidence is currently insufficient to determine the role of this variant in disease. Therefore, it has been classified as a Variant of Uncertain Significance.

NM_000036.3(AMPD1):c.1517T>C (p.Ile506Thr)

Gene: AMPD1 (adenosine monophosphate deaminase 1; minus strand). Cytogenetic location: 1p13.2.
Variant type: single nucleotide variant.
Coding change: c.1517T>C on transcript NM_000036.3 (MANE Select); coding-DNA position 1517, T replaced by C.
Protein change: p.Ile506Thr; replaces isoleucine 506 with threonine.
Molecular consequence: missense variant.
Genome position (GRCh38, 1-based): chr1:114,675,692, A>G on the plus strand (T>C on the coding strand, the complement: AMPD1 is on the minus strand). VCF-style: chr1-114675692-A-G. GRCh37 (hg19) VCF-style: chr1-115218313-A-G.
Other names: c.1505T>C, p.Ile502Thr (NM_001172626.2); short protein forms I506T, I502T.
Identifiers: ClinVar variation 2737577 (VCV002737577.3), dbSNP rs746816406, ClinGen allele CA341747231.